The following is an entry in ClinVar:

NM_133259.4(LRPPRC):c.*825A>G

Gene: LRPPRC (leucine rich pentatricopeptide repeat containing; minus strand). Cytogenetic location: 2p21.
Variant type: single nucleotide variant.
Coding change: c.*825A>G on transcript NM_133259.4 (MANE Select); 825 bases downstream of the stop codon, A replaced by G.
Molecular consequence: 3 prime UTR variant.
Genome position (GRCh38, 1-based): chr2:43,887,775, T>C on the plus strand (A>G on the coding strand, the complement: LRPPRC is on the minus strand). VCF-style: chr2-43887775-T-C. GRCh37 (hg19) VCF-style: chr2-44114914-T-C.
Identifiers: ClinVar variation 336131 (VCV000336131.6), dbSNP rs17031753, ClinGen allele CA10615550.

ClinVar aggregate classification (germline): Benign. Review status: criteria provided, multiple submitters, no conflicts (2 of 4 stars). 2 submissions from 2 submitters: Benign (2). Last evaluated 2018-01-12.

Conditions:
Congenital lactic acidosis, Saguenay-Lac-Saint-Jean type (MC4DN5). Also called: CYTOCHROME c OXIDASE DEFICIENCY, FRENCH CANADIAN TYPE; COX DEFICIENCY, FRENCH CANADIAN TYPE; MITOCHONDRIAL COMPLEX IV DEFICIENCY, NUCLEAR TYPE 5. Identifiers: Orphanet 70472, MedGen C1857355, MONDO:0009069, OMIM 220111.

Allele frequency attached by ClinVar (database versions not stated): gnomAD 0.01674 and 0.01776; TOPMed 0.01976; 1000 Genomes Project 0.02236; 1000 Genomes Project 30x 0.02483.

Submissions (2):

Illumina Laboratory Services, Illumina
Classification: Benign for Congenital lactic acidosis, Saguenay-Lac-Saint-Jean type. Last evaluated: 2018-01-12. Review status: criteria provided, single submitter. Criteria: ICSL Variant Classification Criteria 13 December 2019. Collection method: clinical testing. Allele origin: germline.
Comment: This variant was observed in the ICSL laboratory as part of a predisposition screen in an ostensibly healthy population. It had not been previously curated by ICSL or reported in the Human Gene Mutation Database (HGMD: prior to June 1st, 2018), and was therefore a candidate for classification through an automated scoring system. Utilizing variant allele frequency, disease prevalence and penetrance estimates, and inheritance mode, an automated score was calculated to assess if this variant is too frequent to cause the disease. Based on the score and internal cut-off values, a variant classified as benign is not then subjected to further curation. The score for this variant resulted in a classification of benign for this disease.

Breakthrough Genomics
Classification: Benign. Review status: criteria provided, single submitter. Criteria: ACMG Guidelines, 2015. Collection method: not provided. Allele origin: germline. Inheritance: Autosomal recessive inheritance. Affected: yes.